The following is an entry in ClinVar:

NM_015909.4(NBAS):c.6876C>G (p.Ser2292=)

Gene: NBAS (NBAS subunit of NRZ tethering complex; minus strand). Cytogenetic location: 2p24.3.
Variant type: single nucleotide variant.
Coding change: c.6876C>G on transcript NM_015909.4 (MANE Select); coding-DNA position 6876, C replaced by G.
Protein change: p.Ser2292=; no amino-acid change (serine 2292 retained).
Molecular consequence: synonymous variant. On other transcripts: non-coding transcript variant (1).
Genome position (GRCh38, 1-based): chr2:15,167,288, G>C on the plus strand (C>G on the coding strand, the complement: NBAS is on the minus strand). VCF-style: chr2-15167288-G-C. GRCh37 (hg19) VCF-style: chr2-15307412-G-C.
Identifiers: ClinVar variation 785959 (VCV000785959.13), dbSNP rs76873514, ClinGen allele CA1534825.
Genomic context (GRCh38, chr2:15,167,288, plus strand): 5'-AATACGTGGATAGAAGGGAGTGGAGACACACTTCACCAGCAGCTTGGCATCCAGGAGCAG[G>C]GAAAGAAGTTCTTGGTCACAATTGGAATCATTCACCTTCAAGAAATAAGACAGGCACAGC-3'
Protein context (NP_056993.2, residues 2282-2302): NDSNCDQELL[Ser2292=]LLLDAKLLVK

ClinVar aggregate classification (germline): Benign/Likely benign. Review status: criteria provided, multiple submitters, no conflicts (2 of 4 stars). 4 submissions from 4 submitters: Benign (1); Likely benign (2). 1 of the submissions does not count toward it. Last evaluated 2026-09-01.

Conditions:
NBAS-related disorder. Also called: NBAS-related condition.

Allele frequency attached by ClinVar (database versions not stated): TOPMed 0.00275; gnomAD exomes 0.00022 and 0.00062; ExAC 0.00082; 1000 Genomes Project 0.00200; 1000 Genomes Project 30x 0.00203; gnomAD 0.00240 and 0.00258; ESP Exome Variant Server 0.00246.
gnomAD v4.1: 704 of 1,614,204 alleles (0.044%); highest among the groups gnomAD compares: African/African-American, 0.85%; no homozygotes.

Submissions (4):

CeGaT Center for Human Genetics Tuebingen
Classification: Likely benign. Last evaluated: 2026-09-01. Review status: criteria provided, single submitter. Criteria: CeGaT Center For Human Genetics Tuebingen Variant Classification Criteria Version 2. Collection method: clinical testing. Allele origin: germline. Affected: yes. Observed: 1 variant allele.
Comment: NBAS: BP4, BP7

Labcorp Genetics (formerly Invitae), Labcorp
Classification: Benign. Last evaluated: 2026-01-28. Review status: criteria provided, single submitter. Criteria: Invitae Variant Classification Sherloc (09022015). Collection method: clinical testing. Allele origin: germline.

Blueprint Genetics
Classification: Likely benign. Last evaluated: 2024-11-13. Review status: criteria provided, single submitter. Criteria: ACMG Guidelines, 2015. Collection method: clinical testing. Allele origin: germline.

PreventionGenetics, part of Exact Sciences
Classification: Benign for NBAS-related condition. Last evaluated: 2019-07-10. Review status: no assertion criteria provided. Collection method: clinical testing. Allele origin: germline. Not counted in ClinVar's aggregate classification.
Comment: This variant is classified as benign based on ACMG/AMP sequence variant interpretation guidelines (Richards et al. 2015 PMID: 25741868, with internal and published modifications).